The following is an entry in ClinVar:

ClinVar aggregate classification (germline): Uncertain significance. Review status: criteria provided, multiple submitters, no conflicts (2 of 4 stars). 2 submissions from 2 submitters: Uncertain significance (2). Last evaluated 2023-03-02.

Allele frequency attached by ClinVar (database versions not stated): ExAC 0.00001; gnomAD 0.00001; TOPMed 0.00001; ESP Exome Variant Server 0.00008.

Submissions (2):

Revvity Omics, Revvity
Classification: Uncertain significance. Last evaluated: 2023-03-02. Review status: criteria provided, single submitter. Criteria: ACMG Guidelines, 2015. Collection method: clinical testing. Allele origin: germline.

Labcorp Genetics (formerly Invitae), Labcorp
Classification: Uncertain significance. Last evaluated: 2022-09-27. Review status: criteria provided, single submitter. Criteria: Invitae Variant Classification Sherloc (09022015). Collection method: clinical testing. Allele origin: germline.
Comment: This sequence change replaces glutamic acid, which is acidic and polar, with aspartic acid, which is acidic and polar, at codon 3 of the PPP3CA protein (p.Glu3Asp). The frequency data for this variant in the population databases is considered unreliable, as metrics indicate poor data quality at this position in the gnomAD database. This variant has not been reported in the literature in individuals affected with PPP3CA-related conditions. Algorithms developed to predict the effect of missense changes on protein structure and function (SIFT, PolyPhen-2, Align-GVGD) all suggest that this variant is likely to be tolerated. In summary, the available evidence is currently insufficient to determine the role of this variant in disease. Therefore, it has been classified as a Variant of Uncertain Significance.

NM_000944.5(PPP3CA):c.9G>T (p.Glu3Asp)

Gene: PPP3CA (protein phosphatase 3 catalytic subunit alpha; minus strand). Cytogenetic location: 4q24.
Variant type: single nucleotide variant.
Coding change: c.9G>T on transcript NM_000944.5 (MANE Select); coding-DNA position 9, G replaced by T.
Protein change: p.Glu3Asp; replaces glutamic acid 3 with aspartic acid.
Molecular consequence: missense variant.
Genome position (GRCh38, 1-based): chr4:101,346,788, C>A on the plus strand (G>T on the coding strand, the complement: PPP3CA is on the minus strand). VCF-style: chr4-101346788-C-A. GRCh37 (hg19) VCF-style: chr4-102267945-C-A.
Other names: c.9G>T, p.Glu3Asp (NM_001130691.2, NM_001130692.2); short protein forms E3D.
Identifiers: ClinVar variation 2421584 (VCV002421584.9), dbSNP rs376661307, ClinGen allele CA3024650.